The following is an entry in ClinVar:

NM_001080517.3(SETD5):c.2348G>A (p.Arg783His)

Gene: SETD5 (SET domain containing 5; plus strand). Cytogenetic location: 3p25.3.
Variant type: single nucleotide variant.
Coding change: c.2348G>A on transcript NM_001080517.3 (MANE Select); coding-DNA position 2348, G replaced by A.
Protein change: p.Arg783His; replaces arginine 783 with histidine.
Molecular consequence: missense variant.
Genome position (GRCh38, 1-based): chr3:9,453,740, G>A. VCF-style: chr3-9453740-G-A. GRCh37 (hg19) VCF-style: chr3-9495424-G-A.
Other names: c.2348G>A (NM_001080517.2); c.2054G>A, p.Arg685His (NM_001292043.2, NM_001349451.2); short protein forms R685H, R783H.
Identifiers: ClinVar variation 1166529 (VCV001166529.33), dbSNP rs201499833, ClinGen allele CA2239433.

ClinVar aggregate classification (germline): Benign/Likely benign. Review status: criteria provided, multiple submitters, no conflicts (2 of 4 stars). 4 submissions from 4 submitters: Benign (2); Likely benign (1). 1 of the submissions does not count toward it. Last evaluated 2025-11-28.

Conditions:
SETD5-related disorder. Also called: SETD5-related disorders; SETD5-related condition.

Allele frequency attached by ClinVar (database versions not stated): gnomAD 0.00020 and 0.00021; gnomAD exomes 0.00023 and 0.00025; TOPMed 0.00023; ExAC 0.00024; ESP Exome Variant Server 0.00042.
gnomAD v4.1: 377 of 1,584,592 alleles (0.024%); highest among the groups gnomAD compares: Middle Eastern, 0.37%; 2 homozygotes.

Submissions (4):

Labcorp Genetics (formerly Invitae), Labcorp
Classification: Benign. Last evaluated: 2025-11-28. Review status: criteria provided, single submitter. Criteria: Invitae Variant Classification Sherloc (09022015). Collection method: clinical testing. Allele origin: germline.

CeGaT Center for Human Genetics Tuebingen
Classification: Likely benign. Last evaluated: 2025-09-01. Review status: criteria provided, single submitter. Criteria: CeGaT Center For Human Genetics Tuebingen Variant Classification Criteria Version 2. Collection method: clinical testing. Allele origin: germline. Affected: yes. Observed: 2 variant alleles.
Comment: SETD5: PP3, BS1

Breakthrough Genomics
Classification: Benign. Review status: criteria provided, single submitter. Criteria: ACMG Guidelines, 2015. Collection method: not provided. Allele origin: germline. Inheritance: Autosomal dominant inheritance. Affected: yes.

PreventionGenetics, part of Exact Sciences
Classification: Benign for SETD5-related condition. Last evaluated: 2019-11-26. Review status: no assertion criteria provided. Collection method: clinical testing. Allele origin: germline. Not counted in ClinVar's aggregate classification.
Comment: This variant is classified as benign based on ACMG/AMP sequence variant interpretation guidelines (Richards et al. 2015 PMID: 25741868, with internal and published modifications).